The following is an entry in ClinVar:

NM_153717.3(EVC):c.2152C>T (p.Arg718Trp)

Gene: EVC (EvC ciliary complex subunit 1; plus strand). Cytogenetic location: 4p16.2.
Variant type: single nucleotide variant.
Coding change: c.2152C>T on transcript NM_153717.3 (MANE Select); coding-DNA position 2152, C replaced by T.
Protein change: p.Arg718Trp; replaces arginine 718 with tryptophan.
Molecular consequence: missense variant.
Genome position (GRCh38, 1-based): chr4:5,798,640, C>T. VCF-style: chr4-5798640-C-T. GRCh37 (hg19) VCF-style: chr4-5800367-C-T.
Other names: c.2152C>T (NM_153717.2); c.2152C>T, p.Arg718Trp (NM_001306090.2); short protein forms R718W.
Identifiers: ClinVar variation 2137445 (VCV002137445.3), dbSNP rs778287269, ClinGen allele CA2836403.

ClinVar aggregate classification (germline): Uncertain significance. Review status: criteria provided, multiple submitters, no conflicts (2 of 4 stars). 3 submissions from 3 submitters: Uncertain significance (3). Last evaluated 2025-04-21.

Conditions:
Inborn genetic diseases. Identifiers: MedGen C0950123, MeSH D030342.
Curry-Hall syndrome (WAD). Also called: WEYERS ACRODENTAL DYSOSTOSIS. Identifiers: Orphanet 952, MedGen C0457013, MONDO:0008673, OMIM 193530.
Ellis-van Creveld syndrome (EVC). Also called: MESOECTODERMAL DYSPLASIA; EVC-Related Ellis-van Creveld Syndrome; EVC2-Related Ellis-van Creveld Syndrome; Chondroectodermal dysplasia. Identifiers: Orphanet 289, MedGen C0013903, MONDO:0009162, OMIM 225500.

Allele frequency attached by ClinVar (database versions not stated): ExAC 0.00015.
gnomAD v4.1: 42 of 1,591,896 alleles (0.0026%); highest among the groups gnomAD compares: South Asian, 0.0046%; no homozygotes.

Submissions (3):

Ambry Genetics
Classification: Uncertain significance for Inborn genetic diseases. Last evaluated: 2025-04-21. Review status: criteria provided, single submitter. Criteria: Ambry Variant Classification Scheme 2023. Collection method: clinical testing. Allele origin: germline.

Women's Health and Genetics/Laboratory Corporation of America, LabCorp
Classification: Uncertain significance. Last evaluated: 2024-01-29. Review status: criteria provided, single submitter. Criteria: LabCorp Variant Classification Summary - May 2015. Collection method: clinical testing. Allele origin: germline.
Comment: Variant summary: EVC c.2152C>T (p.Arg718Trp) results in a non-conservative amino acid change in the encoded protein sequence. Three of five in-silico tools predict a damaging effect of the variant on protein function. The variant allele was found at a frequency of 2.9e-05 in 207382 control chromosomes. The available data on variant occurrences in the general population are insufficient to allow any conclusion about variant significance. To our knowledge, no occurrence of c.2152C>T in individuals affected with Ellis-van Creveld syndrome and no experimental evidence demonstrating its impact on protein function have been reported. ClinVar contains an entry for this variant (Variation ID: 2137445). Based on the evidence outlined above, the variant was classified as uncertain significance.

Labcorp Genetics (formerly Invitae), Labcorp
Classification: Uncertain significance for Curry-Hall syndrome; Ellis-van Creveld syndrome. Last evaluated: 2022-08-08. Review status: criteria provided, single submitter. Criteria: Invitae Variant Classification Sherloc (09022015). Collection method: clinical testing. Allele origin: germline.
Comment: This sequence change replaces arginine, which is basic and polar, with tryptophan, which is neutral and slightly polar, at codon 718 of the EVC protein (p.Arg718Trp). This variant is present in population databases (rs778287269, gnomAD 0.01%). This variant has not been reported in the literature in individuals affected with EVC-related conditions. Algorithms developed to predict the effect of missense changes on protein structure and function are either unavailable or do not agree on the potential impact of this missense change (SIFT: "Tolerated"; PolyPhen-2: "Probably Damaging"; Align-GVGD: "Class C0"). In summary, the available evidence is currently insufficient to determine the role of this variant in disease. Therefore, it has been classified as a Variant of Uncertain Significance.